The following is an entry in ClinVar:

ClinVar aggregate classification (germline): Uncertain significance (1 of 4 stars; one submission).

Allele frequency attached by ClinVar (database versions not stated): ExAC 0.00001; gnomAD exomes 0.00001; TOPMed 0.00001; ESP Exome Variant Server 0.00008.
gnomAD v4.1: 4 of 1,613,344 alleles (0.00025%); highest among the groups gnomAD compares: Non-Finnish European, 0.00034%; no homozygotes.

Submission:

Labcorp Genetics (formerly Invitae), Labcorp
Classification: Uncertain significance. Last evaluated: 2022-05-07. Review status: criteria provided, single submitter. Criteria: Invitae Variant Classification Sherloc (09022015). Collection method: clinical testing. Allele origin: germline.
Comment: This sequence change replaces isoleucine, which is neutral and non-polar, with threonine, which is neutral and polar, at codon 25 of the SLC12A6 protein (p.Ile25Thr). This variant is present in population databases (rs372512711, gnomAD 0.002%). This variant has not been reported in the literature in individuals affected with SLC12A6-related conditions. Advanced modeling of protein sequence and biophysical properties (such as structural, functional, and spatial information, amino acid conservation, physicochemical variation, residue mobility, and thermodynamic stability) performed at Invitae indicates that this missense variant is not expected to disrupt SLC12A6 protein function. In summary, the available evidence is currently insufficient to determine the role of this variant in disease. Therefore, it has been classified as a Variant of Uncertain Significance.

NM_001365088.1(SLC12A6):c.74T>C (p.Ile25Thr)

Gene: SLC12A6 (solute carrier family 12 member 6; minus strand). Cytogenetic location: 15q14.
Variant type: single nucleotide variant.
Coding change: c.74T>C on transcript NM_001365088.1 (MANE Select); coding-DNA position 74, T replaced by C.
Protein change: p.Ile25Thr; replaces isoleucine 25 with threonine.
Molecular consequence: missense variant. On other transcripts: intron variant (2).
Genome position (GRCh38, 1-based): chr15:34,336,607, A>G on the plus strand (T>C on the coding strand, the complement: SLC12A6 is on the minus strand). VCF-style: chr15-34336607-A-G. GRCh37 (hg19) VCF-style: chr15-34628808-A-G.
Other names: c.47T>C, p.Ile16Thr (NM_001042496.2); c.74T>C, p.Ile25Thr (NM_001042497.2, NM_133647.2); c.-98-6T>C (NM_001042495.2, NM_001042494.2); short protein forms I25T, I16T.
Identifiers: ClinVar variation 1921001 (VCV001921001.2), dbSNP rs372512711, ClinGen allele CA7464719.